The following is an entry in ClinVar:

NM_000321.3(RB1):c.1695A>G (p.Ser565=)

Gene: RB1 (RB transcriptional corepressor 1; plus strand). Cytogenetic location: 13q14.2.
Variant type: single nucleotide variant.
Coding change: c.1695A>G on transcript NM_000321.3 (MANE Select); coding-DNA position 1695, A replaced by G.
Protein change: p.Ser565=; no amino-acid change (serine 565 retained).
Molecular consequence: synonymous variant.
Genome position (GRCh38, 1-based): chr13:48,381,443, A>G. VCF-style: chr13-48381443-A-G. GRCh37 (hg19) VCF-style: chr13-48955579-A-G.
Other names: c.1695A>G, p.Ser565= (NM_001407165.1, NM_001407166.1).
Identifiers: ClinVar variation 1962310 (VCV001962310.5), dbSNP rs2138145848, ClinGen allele CA483559663.

ClinVar aggregate classification (germline): Uncertain significance (1 of 4 stars; one submission).

Conditions:
Retinoblastoma (RB1). Also called: RETINOBLASTOMA, SOMATIC. Identifiers: Orphanet 790, MedGen C0035335, MeSH D012175, MONDO:0008380, OMIM 180200, HP:0009919. Disease mechanism: loss of function. Inheritance: Both sporadic and heritable forms are tested..

Submission:

Labcorp Genetics (formerly Invitae), Labcorp
Classification: Uncertain significance for Retinoblastoma. Last evaluated: 2022-10-08. Review status: criteria provided, single submitter. Criteria: Invitae Variant Classification Sherloc (09022015). Collection method: clinical testing. Allele origin: germline.
Comment: This sequence change affects codon 565 of the RB1 mRNA. It is a 'silent' change, meaning that it does not change the encoded amino acid sequence of the RB1 protein. It affects a nucleotide within the consensus splice site. This variant is not present in population databases (gnomAD no frequency). This variant has not been reported in the literature in individuals affected with RB1-related conditions. Algorithms developed to predict the effect of sequence changes on RNA splicing suggest that this variant is not likely to affect RNA splicing. In summary, the available evidence is currently insufficient to determine the role of this variant in disease. Therefore, it has been classified as a Variant of Uncertain Significance.